The following is an entry in ClinVar:

NM_052867.4(NALCN):c.4455C>T (p.Ile1485=)

Gene: NALCN (sodium leak channel, non-selective; minus strand). Cytogenetic location: 13q32.3.
Variant type: single nucleotide variant.
Coding change: c.4455C>T on transcript NM_052867.4 (MANE Select); coding-DNA position 4455, C replaced by T.
Protein change: p.Ile1485=; no amino-acid change (isoleucine 1485 retained).
Molecular consequence: synonymous variant.
Genome position (GRCh38, 1-based): chr13:101,065,553, G>A on the plus strand (C>T on the coding strand, the complement: NALCN is on the minus strand). VCF-style: chr13-101065553-G-A. GRCh37 (hg19) VCF-style: chr13-101717905-G-A.
Other names: c.4542C>T, p.Ile1514= (NM_001350748.2); c.4455C>T, p.Ile1485= (NM_001350749.2); c.4368C>T, p.Ile1456= (NM_001350750.2, NM_001350751.2); c.4455C>T (NM_052867.2).
Identifiers: ClinVar variation 1933989 (VCV001933989.7), dbSNP rs762434014, ClinGen allele CA7035108.
Genomic context (GRCh38, chr13:101,065,553, plus strand): 5'-CAGGTCCACCTCCAGCCTCCCACGCAGTAGCCGCAGCAGGAACTTGACGCGGAACGTGGG[G>A]ATCACCCCCTGCGGGGCAGAGCACAAGAAGTAGCAAATCATCAGGCCTCGATGATTCACT-3'
Protein context (NP_443099.1, residues 1475-1495): NMVDDKREGV[Ile1485=]PTFRVKFLLR

ClinVar aggregate classification (germline): Likely benign. Review status: criteria provided, single submitter (1 of 4 stars). 2 submissions from 2 submitters: Likely benign (1). 1 of the submissions does not count toward it. Last evaluated 2024-11-28.

Conditions:
NALCN-related disorder. Also called: NALCN-related disorders; NALCN-related condition.

Allele frequency attached by ClinVar (database versions not stated): ExAC 0.00001; gnomAD 0.00001; TOPMed 0.00001.
gnomAD v4.1: 7 of 1,613,718 alleles (0.00043%); highest among the groups gnomAD compares: Admixed American, 0.012%; no homozygotes.

Submissions (2):

Labcorp Genetics (formerly Invitae), Labcorp
Classification: Likely benign. Last evaluated: 2024-11-28. Review status: criteria provided, single submitter. Criteria: Invitae Variant Classification Sherloc (09022015). Collection method: clinical testing. Allele origin: germline.

PreventionGenetics, part of Exact Sciences
Classification: Likely benign for NALCN-related condition. Last evaluated: 2019-06-04. Review status: no assertion criteria provided. Collection method: clinical testing. Allele origin: germline. Not counted in ClinVar's aggregate classification.
Comment: This variant is classified as likely benign based on ACMG/AMP sequence variant interpretation guidelines (Richards et al. 2015 PMID: 25741868, with internal and published modifications).